The following is an entry in ClinVar:

ClinVar aggregate classification (germline): Uncertain significance. Review status: criteria provided, multiple submitters, no conflicts (2 of 4 stars). 3 submissions from 3 submitters: Uncertain significance (3). Last evaluated 2025-07-13.

Conditions:
Cardiovascular phenotype. Identifiers: MedGen CN230736.
Legius syndrome. Identifiers: Orphanet 137605, MedGen C1969623, MONDO:0012669, OMIM 611431. Disease mechanism: loss of function.

Submissions (3):

Ambry Genetics
Classification: Uncertain significance for Cardiovascular phenotype. Last evaluated: 2025-07-13. Review status: criteria provided, single submitter. Criteria: Ambry Variant Classification Scheme 2023. Collection method: clinical testing. Allele origin: germline.
Comment: The p.I120T variant (also known as c.359T>C), located in coding exon 3 of the SPRED1 gene, results from a T to C substitution at nucleotide position 359. The isoleucine at codon 120 is replaced by threonine, an amino acid with similar properties. This amino acid position is conserved. In addition, the in silico prediction for this alteration is inconclusive. Based on the available evidence, the clinical significance of this variant remains unclear.

GeneDx
Classification: Uncertain significance. Last evaluated: 2025-05-11. Review status: criteria provided, single submitter. Criteria: GeneDx Variant Classification Process June 2021. Collection method: clinical testing. Allele origin: germline. Affected: yes.
Comment: Not observed at significant frequency in large population cohorts (gnomAD); In silico analysis supports that this missense variant has a deleterious effect on protein structure/function; Has not been previously published as pathogenic or benign to our knowledge

Neuberg Centre For Genomic Medicine, NCGM
Classification: Uncertain significance for Legius syndrome. Review status: criteria provided, single submitter. Criteria: ACMG Guidelines, 2015. Collection method: clinical testing. Allele origin: germline. Inheritance: Autosomal dominant inheritance. Affected: yes.
Comment: The observed missense variant c.359T>C (p.Ile120Thr) in SPRED1 gene has not been reported previously as a pathogenic variant nor as a benign variant, to our knowledge. The p.Ile120Thr variant is absent in gnomAD Exomes database. This variant has not been submitted to the ClinVar database. The amino acid change p.Ile120Thr in SPRED1 is predicted as conserved by GERP++ and PhyloP across 100 vertebrates. The amino acid Ile at position 120 is changed to a Thr changing protein sequence and it might alter its composition and physico-chemical properties. For these reasons, this variant has been classified as a Variant of Uncertain Significance (VUS).

NM_152594.3(SPRED1):c.359T>C (p.Ile120Thr)

Gene: SPRED1 (sprouty related EVH1 domain containing 1; plus strand). Cytogenetic location: 15q14.
Variant type: single nucleotide variant.
Coding change: c.359T>C on transcript NM_152594.3 (MANE Select); coding-DNA position 359, T replaced by C.
Protein change: p.Ile120Thr; replaces isoleucine 120 with threonine.
Molecular consequence: missense variant.
Genome position (GRCh38, 1-based): chr15:38,322,392, T>C. VCF-style: chr15-38322392-T-C. GRCh37 (hg19) VCF-style: chr15-38614593-T-C.
Other names: c.359T>C (NM_152594.2); short protein forms I120T.
Identifiers: ClinVar variation 3242203 (VCV003242203.3), dbSNP rs1895621976.